The following is an entry in ClinVar:

ClinVar aggregate classification (germline): Uncertain significance (1 of 4 stars; one submission).

Submission:

Labcorp Genetics (formerly Invitae), Labcorp
Classification: Uncertain significance. Last evaluated: 2023-01-12. Review status: criteria provided, single submitter. Criteria: Invitae Variant Classification Sherloc (09022015). Collection method: clinical testing. Allele origin: germline.
Comment: In summary, the available evidence is currently insufficient to determine the role of this variant in disease. Therefore, it has been classified as a Variant of Uncertain Significance. Variants that disrupt the consensus splice site are a relatively common cause of aberrant splicing (PMID: 17576681, 9536098). Algorithms developed to predict the effect of sequence changes on RNA splicing suggest that this variant may disrupt the consensus splice site. This variant has not been reported in the literature in individuals affected with CTNNA1-related conditions. This variant is not present in population databases (gnomAD no frequency). This sequence change falls in intron 2 of the CTNNA1 gene. It does not directly change the encoded amino acid sequence of the CTNNA1 protein. It affects a nucleotide within the consensus splice site.

Literature cited by the submitters: PubMed 17576681; PubMed 9536098.

NM_001903.5(CTNNA1):c.106-3_106-2insCACTTTGGGAGGCCGAGGCGGGTGGATCATGAGGTCAGGAGATCGAGACCATCCTGGCTAACAAGGTGNNNNNNNNNNAAAAAAAAAAAAAAAAAAAAAAAAATGAAACTTTT

Gene: CTNNA1 (catenin alpha 1; plus strand). Cytogenetic location: 5q31.2.
Variant type: Microsatellite.
Coding change: c.106-3_106-2insCACTTTGGGAGGCCGAGGCGGGTGGATCATGAGGTCAGGAGATCGAGACCATCCTGGCTAACAAGGTGNNNNNNNNNNAAAAAAAAAAAAAAAAAAAAAAAAATGAAACTTTT on transcript NM_001903.5 (MANE Select); 3 bases into the intron before coding-DNA position 106 through the canonical splice acceptor site of the intron before coding-DNA position 106, CACTTTGGGAGGCCGAGGCGGGTGGATCATGAGGTCAGGAGATCGAGACCATCCTGGCTAACAAGGTGNNNNNNNNNNAAAAAAAAAAAAAAAAAAAAAAAAATGAAACTTTT inserted.
Molecular consequence: intron variant.
Genome position: GRCh38: chr5:138,783,160-138,783,174. GRCh37 (hg19), VCF-style position (the base before the change): chr5:138,118,848.
Other names: c.106-3_106-2insCACTTTGGGAGGCCGAGGCGGGTGGATCATGAGGTCAGGAGATCGAGACCATCCTGGCTAACAAGGTGNNNNNNNNNNAAAAAAAAAAAAAAAAAAAAAAAAATGAAACTTTT (NM_001323982.2, NM_001323984.2, NM_001290307.3 and 3 more transcripts); c.-101-3_-101-2insCACTTTGGGAGGCCGAGGCGGGTGGATCATGAGGTCAGGAGATCGAGACCATCCTGGCTAACAAGGTGNNNNNNNNNNAAAAAAAAAAAAAAAAAAAAAAAAATGAAACTTTT (NM_001290310.3); c.-9+1145_-9+1146insCACTTTGGGAGGCCGAGGCGGGTGGATCATGAGGTCAGGAGATCGAGACCATCCTGGCTAACAAGGTGNNNNNNNNNNAAAAAAAAAAAAAAAAAAAAAAAAATGAAACTTTT (NM_001290309.3).
Identifiers: ClinVar variation 2828006 (VCV002828006.3).